The following is an entry in ClinVar:

ClinVar aggregate classification (germline): Uncertain significance. Review status: criteria provided, multiple submitters, no conflicts (2 of 4 stars). 3 submissions from 3 submitters: Uncertain significance (3). Last evaluated 2026-09-25.

Conditions:
Meckel syndrome, type 4 (MKS4). Also called: MECKEL-GRUBER SYNDROME, TYPE 4. Identifiers: Orphanet 564, MedGen C1970161, MONDO:0012626, OMIM 611134.
Bardet-Biedl syndrome 14 (BBS14). Identifiers: Orphanet 110, MedGen C2673874, MONDO:0014442, OMIM 615991.
Senior-Loken syndrome 6 (SLSN6). Identifiers: Orphanet 3156, MedGen C1857779, MONDO:0012433, OMIM 610189.
Joubert syndrome 5 (JBTS5). Identifiers: Orphanet 2318, MedGen C1857780, MONDO:0012432, OMIM 610188.
Leber congenital amaurosis 10 (LCA10). Identifiers: Orphanet 65, MedGen C1857821, MONDO:0012723, OMIM 611755.
Joubert syndrome. Also called: Familial aplasia of the vermis; JOUBERT-BOLTSHAUSER SYNDROME. Identifiers: Orphanet 475, MedGen C5979921, MONDO:0018772.
Nephronophthisis. Also called: Juvenile Nephronophthisis. Identifiers: Orphanet 655, MedGen C0687120, MONDO:0019005, HP:0000090.
Meckel-Gruber syndrome. Also called: Dysencephalia splachnocystica; GRUBER SYNDROME; DYSENCEPHALIA SPLANCHNOCYSTICA. Identifiers: Orphanet 564, MedGen C0265215, MONDO:0018921.
CEP290-related disorder. Also called: CEP290-related condition; CEP290-related disorders. Identifiers: MedGen CN239314.

Allele frequency attached by ClinVar (database versions not stated): TOPMed below 0.00001.

Submissions (3):

PreventionGenetics, part of Exact Sciences
Classification: Uncertain significance for CEP290-related condition. Last evaluated: 2026-09-25. Review status: criteria provided, single submitter. Criteria: ACMG Guidelines, 2015. Collection method: clinical testing. Allele origin: germline.
Comment: The CEP290 c.7198C>G variant is predicted to result in the amino acid substitution p.Gln2400Glu. To our knowledge, this variant has not been reported in the literature or in a large population database (gnomAD), indicating this variant is rare. At this time, the clinical significance of this variant is uncertain due to the absence of conclusive functional and genetic evidence.

Labcorp Genetics (formerly Invitae), Labcorp
Classification: Uncertain significance for Joubert syndrome; Meckel-Gruber syndrome; Nephronophthisis. Last evaluated: 2022-07-19. Review status: criteria provided, single submitter. Criteria: Invitae Variant Classification Sherloc (09022015). Collection method: clinical testing. Allele origin: germline.
Comment: This variant has not been reported in the literature in individuals affected with CEP290-related conditions. This variant is not present in population databases (gnomAD no frequency). This sequence change replaces glutamine, which is neutral and polar, with glutamic acid, which is acidic and polar, at codon 2400 of the CEP290 protein (p.Gln2400Glu). ClinVar contains an entry for this variant (Variation ID: 1401493). In summary, the available evidence is currently insufficient to determine the role of this variant in disease. Therefore, it has been classified as a Variant of Uncertain Significance. Algorithms developed to predict the effect of missense changes on protein structure and function (SIFT, PolyPhen-2, Align-GVGD) all suggest that this variant is likely to be tolerated.

Fulgent Genetics
Classification: Uncertain significance for Joubert syndrome 5; Senior-Loken syndrome 6; Meckel syndrome, type 4; Leber congenital amaurosis 10; Bardet-Biedl syndrome 14. Last evaluated: 2022-02-01. Review status: criteria provided, single submitter. Criteria: ACMG Guidelines, 2015. Collection method: clinical testing. Allele origin: unknown.

NM_025114.4(CEP290):c.7198C>G (p.Gln2400Glu)

Gene: CEP290 (centrosomal protein 290; minus strand). Cytogenetic location: 12q21.32.
Variant type: single nucleotide variant.
Coding change: c.7198C>G on transcript NM_025114.4 (MANE Select); coding-DNA position 7198, C replaced by G.
Protein change: p.Gln2400Glu; replaces glutamine 2400 with glutamic acid.
Molecular consequence: missense variant.
Genome position (GRCh38, 1-based): chr12:88,050,365, G>C on the plus strand (C>G on the coding strand, the complement: CEP290 is on the minus strand). VCF-style: chr12-88050365-G-C. GRCh37 (hg19) VCF-style: chr12-88444142-G-C.
Other names: c.7198C>G (NM_025114.3); short protein forms Q2400E.
Identifiers: ClinVar variation 1401493 (VCV001401493.10), dbSNP rs1478582091, ClinGen allele CA385973622.